The following is an entry in ClinVar:

NM_000218.3(KCNQ1):c.749T>A (p.Leu250His)

Gene: KCNQ1 (potassium voltage-gated channel subfamily Q member 1; plus strand). Cytogenetic location: 11p15.5.
Variant type: single nucleotide variant.
Coding change: c.749T>A on transcript NM_000218.3 (MANE Select); coding-DNA position 749, T replaced by A.
Protein change: p.Leu250His; replaces leucine 250 with histidine.
Molecular consequence: missense variant.
Genome position (GRCh38, 1-based): chr11:2,572,078, T>A. VCF-style: chr11-2572078-T-A. GRCh37 (hg19) VCF-style: chr11-2593308-T-A.
Other names: c.749T>A (LRG_287t1); c.749T>A, p.Leu250His (NM_001406836.1); c.479T>A, p.Leu160His (NM_001406837.1); c.368T>A, p.Leu123His (NM_181798.2); short protein forms L250H, L123H, L160H.
Identifiers: ClinVar variation 53094 (VCV000053094.3), dbSNP rs199472715, ClinGen allele CA008065.

ClinVar aggregate classification (germline): not provided (0 of 4 stars; one submission).

Conditions:
Familial long QT syndrome (RWS). Also called: Congenital long QT syndrome; Romano-Ward syndrome; VENTRICULAR FIBRILLATION WITH PROLONGED QT INTERVAL. Identifiers: Orphanet 768, MedGen C1141890, MONDO:0019171.

Submission:

Cardiovascular Biomedical Research Unit, Royal Brompton & Harefield NHS Foundation Trust
No classification provided. Condition: Familial long QT syndrome. Review status: no classification provided. Collection method: literature only. Allele origin: germline.
Comment: This variant has been reported as associated with Long QT syndrome in the following publications (PMID:9799083;PMID:9600240). This is a literature report, and does not necessarily reflect the clinical interpretation of the Imperial College / Royal Brompton Cardiovascular Genetics laboratory.

Literature cited by the submitters: PubMed 9799083; PubMed 9600240; PubMed 22581653.